The following is an entry in ClinVar:

NM_015295.3(SMCHD1):c.5729A>G (p.Gln1910Arg)

Gene: SMCHD1 (structural maintenance of chromosomes flexible hinge domain containing 1; plus strand). Cytogenetic location: 18p11.32.
Variant type: single nucleotide variant.
Coding change: c.5729A>G on transcript NM_015295.3 (MANE Select); coding-DNA position 5729, A replaced by G.
Protein change: p.Gln1910Arg; replaces glutamine 1910 with arginine.
Molecular consequence: missense variant.
Genome position (GRCh38, 1-based): chr18:2,795,958, A>G. VCF-style: chr18-2795958-A-G. GRCh37 (hg19) VCF-style: chr18-2795956-A-G.
Other names: c.5729A>G (NM_015295.2); short protein forms Q1910R.
Identifiers: ClinVar variation 2716199 (VCV002716199.5), dbSNP rs371207770, ClinGen allele CA8871783.

ClinVar aggregate classification (germline): Uncertain significance. Review status: criteria provided, multiple submitters, no conflicts (2 of 4 stars). 3 submissions from 3 submitters: Uncertain significance (3). Last evaluated 2025-03-27.

Conditions:
Facioscapulohumeral muscular dystrophy 2 (FSHD2). Also called: MUSCULAR DYSTROPHY, FACIOSCAPULOHUMERAL, TYPE 1B; FACIOSCAPULOHUMERAL MUSCULAR DYSTROPHY 2, DIGENIC; FSHD2, DIGENIC. Identifiers: Orphanet 269, MedGen C1834671, MONDO:0008031, OMIM 158901.
SMCHD1-related disorder. Also called: SMCHD1-related condition.

Allele frequency attached by ClinVar (database versions not stated): gnomAD exomes below 0.00001; ExAC 0.00002; gnomAD 0.00007; TOPMed 0.00007; ESP Exome Variant Server 0.00008.
gnomAD v4.1: 17 of 1,586,690 alleles (0.0011%); highest among the groups gnomAD compares: African/African-American, 0.02%; no homozygotes.

Submissions (3):

PreventionGenetics, part of Exact Sciences
Classification: Uncertain significance for SMCHD1-related condition. Last evaluated: 2025-03-27. Review status: criteria provided, single submitter. Criteria: ACMG Guidelines, 2015. Collection method: clinical testing. Allele origin: germline.
Comment: The SMCHD1 c.5729A>G variant is predicted to result in the amino acid substitution p.Gln1910Arg. To our knowledge, this variant has not been reported in the literature. This variant is reported in 0.0045% of alleles in individuals of African descent in gnomAD. At this time, the clinical significance of this variant is uncertain due to the absence of conclusive functional and genetic evidence.

Labcorp Genetics (formerly Invitae), Labcorp
Classification: Uncertain significance for Facioscapulohumeral muscular dystrophy 2. Last evaluated: 2024-11-05. Review status: criteria provided, single submitter. Criteria: Invitae Variant Classification Sherloc (09022015). Collection method: clinical testing. Allele origin: germline.
Comment: This sequence change replaces glutamine, which is neutral and polar, with arginine, which is basic and polar, at codon 1910 of the SMCHD1 protein (p.Gln1910Arg). The frequency data for this variant in the population databases is considered unreliable, as metrics indicate poor data quality at this position in the gnomAD database. This variant has not been reported in the literature in individuals affected with SMCHD1-related conditions. ClinVar contains an entry for this variant (Variation ID: 2716199). Invitae Evidence Modeling of protein sequence and biophysical properties (such as structural, functional, and spatial information, amino acid conservation, physicochemical variation, residue mobility, and thermodynamic stability) indicates that this missense variant is not expected to disrupt SMCHD1 protein function with a negative predictive value of 80%. In summary, the available evidence is currently insufficient to determine the role of this variant in disease. Therefore, it has been classified as a Variant of Uncertain Significance.

Revvity Omics, Revvity
Classification: Uncertain significance. Last evaluated: 2023-08-31. Review status: criteria provided, single submitter. Criteria: ACMG Guidelines, 2015. Collection method: clinical testing. Allele origin: germline.